The following is an entry in ClinVar:

NM_017633.3(TENT5A):c.749dup (p.Met251fs)

Gene: TENT5A (terminal nucleotidyltransferase 5A; minus strand). Cytogenetic location: 6q14.1.
Variant type: Duplication.
Coding change: c.749dup on transcript NM_017633.3 (MANE Select); coding-DNA position 749, one base duplicated (C; older notation c.749dupC).
Protein change: p.Met251fs; shifts the reading frame from methionine 251.
Molecular consequence: frameshift variant.
Genome position (GRCh38, 1-based): chr6:81,750,275, G duplicated on the plus strand (C on the coding strand, the reverse complement: TENT5A is on the minus strand); the first of 3 consecutive G bases (chr6:81,750,275-81,750,277); duplicating any one gives the same sequence. VCF-style (leftmost placement, unchanged base first): chr6-81750274-T-TG. GRCh37 (hg19) VCF-style: chr6-82459991-T-TG.
Other names: short protein forms M251fs.
Identifiers: ClinVar variation 1683688 (VCV001683688.2), dbSNP rs2127726557, ClinGen allele CA2573141266.

ClinVar aggregate classification (germline): Uncertain significance (1 of 4 stars; one submission).

Conditions:
Osteogenesis imperfecta, type 18. Also called: OSTEOGENESIS IMPERFECTA, TYPE XVIII. Identifiers: MedGen C4693736, MONDO:0044329, OMIM 617952.

Submission:

Laboratorio de Genetica e Diagnostico Molecular, Hospital Israelita Albert Einstein
Classification: Uncertain significance for Osteogenesis imperfecta, type 18. Last evaluated: 2021-12-03. Review status: criteria provided, single submitter. Criteria: ACMG Guidelines, 2015. Collection method: clinical testing. Allele origin: germline. Affected: yes.
Comment: ACMG classification criteria: PVS1 moderate, PM2 moderate